The following is an entry in ClinVar:

ClinVar aggregate classification (germline): Benign/Likely benign. Review status: criteria provided, multiple submitters, no conflicts (2 of 4 stars). 2 submissions from 2 submitters: Benign (1); Likely benign (1). Last evaluated 2024-09-20.

Conditions:
Hereditary diffuse gastric adenocarcinoma (HDGC). Also called: DIFFUSE GASTRIC AND LOBULAR BREAST CANCER SYNDROME. Identifiers: Orphanet 26106, MedGen C1708349, MONDO:0007648, OMIM 137215.

Submissions (2):

Myriad Genetics, Inc.
Classification: Benign for Hereditary diffuse gastric adenocarcinoma. Last evaluated: 2024-09-20. Review status: criteria provided, single submitter. Criteria: Myriad Autosomal Dominant, Autosomal Recessive and X-Linked Classification Criteria (2023). Collection method: clinical testing. Allele origin: unknown.
Comment: This variant is considered benign. This variant is a silent/synonymous amino acid change and it is not expected to impact splicing.

Labcorp Genetics (formerly Invitae), Labcorp
Classification: Likely benign for Hereditary diffuse gastric adenocarcinoma. Last evaluated: 2022-01-04. Review status: criteria provided, single submitter. Criteria: Invitae Variant Classification Sherloc (09022015). Collection method: clinical testing. Allele origin: germline.

NM_004360.5(CDH1):c.2097G>A (p.Gln699=)

Gene: CDH1 (cadherin 1; plus strand). Cytogenetic location: 16q22.1.
Variant type: single nucleotide variant.
Coding change: c.2097G>A on transcript NM_004360.5 (MANE Select); coding-DNA position 2097, G replaced by A.
Protein change: p.Gln699=; no amino-acid change (glutamine 699 retained).
Molecular consequence: synonymous variant.
Genome position (GRCh38, 1-based): chr16:68,823,559, G>A. VCF-style: chr16-68823559-G-A. GRCh37 (hg19) VCF-style: chr16-68857462-G-A.
Other names: c.1914G>A, p.Gln638= (NM_001317184.2); c.549G>A, p.Gln183= (NM_001317185.2); c.132G>A, p.Gln44= (NM_001317186.2).
Identifiers: ClinVar variation 1105772 (VCV001105772.10), dbSNP rs2152139545, ClinGen allele CA496392449.